The following is an entry in ClinVar:

ClinVar aggregate classification (germline): Uncertain significance (1 of 4 stars; one submission).

Conditions:
Nemaline myopathy 2 (NEM2). Also called: Nemaline myopathy 2, autosomal recessive. Identifiers: MedGen C1850569, MONDO:0009725, OMIM 256030.

Submission:

Labcorp Genetics (formerly Invitae), Labcorp
Classification: Uncertain significance for Nemaline myopathy 2. Last evaluated: 2022-06-10. Review status: criteria provided, single submitter. Criteria: Invitae Variant Classification Sherloc (09022015). Collection method: clinical testing. Allele origin: germline.
Comment: This sequence change replaces alanine, which is neutral and non-polar, with threonine, which is neutral and polar, at codon 3653 of the NEB protein (p.Ala3653Thr). This variant is not present in population databases (gnomAD no frequency). This variant has not been reported in the literature in individuals affected with NEB-related conditions. Algorithms developed to predict the effect of missense changes on protein structure and function are either unavailable or do not agree on the potential impact of this missense change (SIFT: "Deleterious"; PolyPhen-2: "Not Available"; Align-GVGD: "Class C0"). In summary, the available evidence is currently insufficient to determine the role of this variant in disease. Therefore, it has been classified as a Variant of Uncertain Significance.

NM_001164508.2(NEB):c.10957G>A (p.Ala3653Thr)

Gene: NEB (nebulin; minus strand). Cytogenetic location: 2q23.3.
Variant type: single nucleotide variant.
Coding change: c.10957G>A on transcript NM_001164508.2 (MANE Select); coding-DNA position 10957, G replaced by A.
Protein change: p.Ala3653Thr; replaces alanine 3653 with threonine.
Molecular consequence: missense variant.
Genome position (GRCh38, 1-based): chr2:151,618,394, C>T on the plus strand (G>A on the coding strand, the complement: NEB is on the minus strand). VCF-style: chr2-151618394-C-T. GRCh37 (hg19) VCF-style: chr2-152474908-C-T.
Other names: c.10957G>A, p.Ala3653Thr (NM_001271208.2, NM_001164507.2); c.10228G>A, p.Ala3410Thr (NM_004543.5); short protein forms A3653T, A3410T.
Identifiers: ClinVar variation 1963542 (VCV001963542.2), dbSNP rs2552232087, ClinGen allele CA348786273.